The following is an entry in ClinVar:

ClinVar aggregate classification (germline): Pathogenic. Review status: criteria provided, single submitter (1 of 4 stars). 2 submissions from 2 submitters: Pathogenic (1). 1 of the submissions does not count toward it. Last evaluated 2026-08-26.

Conditions:
Camptomelic dysplasia (CMPD). Also called: Campomelic Dysplasia; CMPD1/SRA1. Identifiers: Orphanet 140, MedGen C1861922, MONDO:0007251, OMIM 114290.

Submissions (2):

GeneDx
Classification: Pathogenic. Last evaluated: 2026-08-26. Review status: criteria provided, single submitter. Criteria: GeneDx Variant Classification Process June 2021. Collection method: clinical testing. Allele origin: germline.
Comment: Not observed at significant frequency in large population cohorts (gnomAD); In silico analysis supports that this missense variant has a deleterious effect on protein structure/function; This variant is associated with the following publications: (PMID: 32978145, 34580403)

Pediatric Genetics Clinic, Sheba Medical Center
Classification: Likely pathogenic for Camptomelic dysplasia. Last evaluated: 2021-05-13. Review status: no assertion criteria provided. Collection method: clinical testing. Allele origin: inherited. Affected: yes. Observed: 1 heterozygote. Not counted in ClinVar's aggregate classification.

NM_000346.4(SOX9):c.529C>T (p.Arg177Trp)

Gene: SOX9 (SRY-box transcription factor 9; plus strand). Cytogenetic location: 17q24.3.
Variant type: single nucleotide variant.
Coding change: c.529C>T on transcript NM_000346.4 (MANE Select); coding-DNA position 529, C replaced by T.
Protein change: p.Arg177Trp; replaces arginine 177 with tryptophan.
Molecular consequence: missense variant.
Genome position (GRCh38, 1-based): chr17:72,122,816, C>T. VCF-style: chr17-72122816-C-T. GRCh37 (hg19) VCF-style: chr17-70118957-C-T.
Other names: c.529C>T (NM_000346.3); short protein forms R177W.
Identifiers: ClinVar variation 1164035 (VCV001164035.3), dbSNP rs2143246033, ClinGen allele CA400866499.
Genomic context (GRCh38, chr17:72,122,816, plus strand): 5'-GAGGCGGAGCGGCTGCGCGTGCAGCACAAGAAGGACCACCCGGATTACAAGTACCAGCCG[C>T]GGCGGAGGAAGTCGGTGAAGAACGGGCAGGCGGAGGCAGAGGAGGCCACGGAGCAGACGC-3'
Protein context (NP_000337.1, residues 167-187): KDHPDYKYQP[Arg177Trp]RRKSVKNGQA